The following is an entry in ClinVar:

ClinVar aggregate classification (germline): Uncertain significance (1 of 4 stars; one submission).

Conditions:
Combined malonic and methylmalonic acidemia. Identifiers: Orphanet 289504, MedGen C3280314, MONDO:0013661, OMIM 614265.

Submission:

Labcorp Genetics (formerly Invitae), Labcorp
Classification: Uncertain significance for Combined malonic and methylmalonic acidemia. Last evaluated: 2022-10-19. Review status: criteria provided, single submitter. Criteria: Invitae Variant Classification Sherloc (09022015). Collection method: clinical testing. Allele origin: germline.
Comment: This variant results in a copy number gain of the genomic region encompassing exon(s) 3-7 of the ACSF3 gene. This region includes the initiator codon of the gene. This copy number gain extends beyond the assayed region for this gene and therefore may encompass additional genes. As the precise location of this event is unknown, it may be in tandem or it may be located elsewhere in the genome. This variant has not been reported in the literature in individuals affected with ACSF3-related conditions. In summary, the available evidence is currently insufficient to determine the role of this variant in disease. Therefore, it has been classified as a Variant of Uncertain Significance.

NC_000016.9:g.(?_89167090)_(89187341_?)dup

Gene: ACSF3 (acyl-CoA synthetase family member 3; plus strand). Cytogenetic location: 16q24.3.
Variant type: Duplication.
Identifiers: ClinVar variation 2427530 (VCV002427530.3).